The following is an entry in ClinVar:

NM_000434.4(NEU1):c.275C>T (p.Ala92Val)

Gene: NEU1 (neuraminidase 1; minus strand). Cytogenetic location: 6p21.33.
Variant type: single nucleotide variant.
Coding change: c.275C>T on transcript NM_000434.4 (MANE Select); coding-DNA position 275, C replaced by T.
Protein change: p.Ala92Val; replaces alanine 92 with valine.
Molecular consequence: missense variant.
Genome position (GRCh38, 1-based): chr6:31,862,076, G>A on the plus strand (C>T on the coding strand, the complement: NEU1 is on the minus strand). VCF-style: chr6-31862076-G-A. GRCh37 (hg19) VCF-style: chr6-31829853-G-A.
Other names: short protein forms A92V.
Identifiers: ClinVar variation 1383842 (VCV001383842.8), dbSNP rs2151546503, ClinGen allele CA363496067.
Genomic context (GRCh38, chr6:31,862,076, plus strand): 5'-CGCAGGGCGATGAACTTGGCCCCCTCATCGGATGAGGACATTTTCCTCGCCTCAGCAAAG[G>A]CGAGAAGAGTGCCCCGCGGAGTGGCTGTGATGAGCGGGATGCGGAAGGTGTCCACTGAGC-3'
Protein context (NP_000425.1, residues 82-102): ITATPRGTLL[Ala92Val]FAEARKMSSS

ClinVar aggregate classification (germline): Uncertain significance (1 of 4 stars; one submission).

Submission:

Labcorp Genetics (formerly Invitae), Labcorp
Classification: Uncertain significance. Last evaluated: 2023-08-17. Review status: criteria provided, single submitter. Criteria: Invitae Variant Classification Sherloc (09022015). Collection method: clinical testing. Allele origin: germline.
Comment: This variant has not been reported in the literature in individuals affected with NEU1-related conditions. In summary, the available evidence is currently insufficient to determine the role of this variant in disease. Therefore, it has been classified as a Variant of Uncertain Significance. Advanced modeling of protein sequence and biophysical properties (such as structural, functional, and spatial information, amino acid conservation, physicochemical variation, residue mobility, and thermodynamic stability) performed at Invitae indicates that this missense variant is not expected to disrupt NEU1 protein function. ClinVar contains an entry for this variant (Variation ID: 1383842). This variant is not present in population databases (gnomAD no frequency). This sequence change replaces alanine, which is neutral and non-polar, with valine, which is neutral and non-polar, at codon 92 of the NEU1 protein (p.Ala92Val).